The following is an entry in ClinVar:

NM_001005273.3(CHD3):c.5822_5836del (p.Gly1941_Ala1945del)

Gene: CHD3 (chromodomain helicase DNA binding protein 3; plus strand). Cytogenetic location: 17p13.1.
Variant type: Deletion.
Coding change: c.5822_5836del on transcript NM_001005273.3 (MANE Select); coding-DNA positions 5822 to 5836, 15 bases deleted (GGGCCCTGGCCGCCG).
Protein change: p.Gly1941_Ala1945del.
Molecular consequence: inframe indel (on NM_001437504.1).
Genome position (GRCh38, 1-based): chr17:7,910,914-7,910,928, GGGCCCTGGCCGCCG deleted; deleting any 15 consecutive bases within chr17:7,910,913-7,910,928 gives the same sequence; the c. name uses the placement nearest the transcript's 3' end. VCF-style (leftmost placement, unchanged base first): chr17-7910912-AGGGGCCCTGGCCGCC-A. GRCh37 (hg19) VCF-style: chr17-7814230-AGGGGCCCTGGCCGCC-A.
Other names: c.6045_6059del, p.Arg2015_Arg2020delinsSer (NM_001437504.1); c.5987_6001del, p.Gly1996_Ala2000del (NM_001437507.1); c.5885_5899del, p.Gly1962_Ala1966del (NM_001437508.1); c.5990_6004del, p.Gly1997_Ala2001del (NM_001437509.1); c.5720_5734del, p.Gly1907_Ala1911del (NM_005852.4); c.5999_6013del, p.Gly2000_Ala2004del (NM_001005271.3).
Identifiers: ClinVar variation 4083033 (VCV004083033.2).

ClinVar aggregate classification (germline): Uncertain significance (1 of 4 stars; one submission).

Submission:

GeneDx
Classification: Uncertain significance. Last evaluated: 2025-09-19. Review status: criteria provided, single submitter. Criteria: GeneDx Variant Classification Process June 2021. Collection method: clinical testing. Allele origin: germline.
Comment: In-frame deletion of 5 amino acid(s) in a non-repeat region; Not observed at significant frequency in large population cohorts (gnomAD); In silico analysis supports a deleterious effect on protein structure/function; Has not been previously published as pathogenic or benign to our knowledge